The following is an entry in ClinVar:

ClinVar aggregate classification (germline): Benign/Likely benign. Review status: criteria provided, multiple submitters, no conflicts (2 of 4 stars). 6 submissions from 6 submitters: Benign (1); Likely benign (5). Last evaluated 2025-10-06.

Conditions:
Juvenile polyposis syndrome (JPS). Identifiers: Orphanet 2929, MedGen C0345893, MONDO:0017380, OMIM 174900.
Hereditary cancer-predisposing syndrome. Also called: Tumor predisposition; Neoplastic Syndromes, Hereditary; Hereditary neoplastic syndrome; Hereditary Cancer Syndrome. Identifiers: Orphanet 140162, MedGen C0027672, MeSH D009386, MONDO:0015356.
Familial thoracic aortic aneurysm and aortic dissection (TAAD). Also called: Thoracic aortic aneurysms and dissections. Identifiers: Orphanet 91387, MedGen C4707243, MONDO:0019625.
Juvenile polyposis/hereditary hemorrhagic telangiectasia syndrome (JPHT). Also called: Juvenile Polyposis Syndrome / Hereditary Hemorrhagic Telangiectasia (JPS/HHT); JP/HHT SYNDROME; JUVENILE POLYPOSIS WITH HEREDITARY HEMORRHAGIC TELANGIECTASIA; POLYPOSIS, GENERALIZED JUVENILE, WITH PULMONARY ARTERIOVENOUS MALFORMATION; TELANGIECTASIA, HEREDITARY HEMORRHAGIC, WITH JUVENILE POLYPOSIS COLI. Identifiers: Orphanet 2929, MedGen C1832942, MONDO:0008278, OMIM 175050.

Allele frequency attached by ClinVar (database versions not stated): gnomAD exomes below 0.00001; gnomAD 0.00001; TOPMed 0.00001.
gnomAD v4.1: 1 of 1,614,080 alleles (0.000062%); highest among the groups gnomAD compares: Non-Finnish European, 0.000085%; no homozygotes.

Submissions (6):

Labcorp Genetics (formerly Invitae), Labcorp
Classification: Likely benign for Juvenile polyposis syndrome. Last evaluated: 2025-10-06. Review status: criteria provided, single submitter. Criteria: Invitae Variant Classification Sherloc (09022015). Collection method: clinical testing. Allele origin: germline.

Myriad Genetics, Inc.
Classification: Benign for Juvenile polyposis/hereditary hemorrhagic telangiectasia syndrome. Last evaluated: 2025-03-18. Review status: criteria provided, single submitter. Criteria: Myriad Autosomal Dominant, Autosomal Recessive and X-Linked Classification Criteria (2023). Collection method: clinical testing. Allele origin: unknown.
Comment: This variant is considered benign. This variant is a silent/synonymous amino acid change and it is not expected to impact splicing.

All of Us Research Program, National Institutes of Health
Classification: Likely benign for Juvenile polyposis/hereditary hemorrhagic telangiectasia syndrome. Last evaluated: 2024-02-22. Review status: criteria provided, single submitter. Criteria: ACMG Guidelines, 2015. Collection method: clinical testing. Allele origin: germline. Inheritance: Autosomal dominant inheritance. Observed: 2 variant alleles, 2 heterozygotes.
Comment: This study involves interpretation of variants in research participants for the purpose of population health screening. Participant phenotype was not available at the time of variant classification. Additional details can be found in publication PMID: 35346344, PMCID: PMC8962531

GeneDx
Classification: Likely benign. Last evaluated: 2019-01-31. Review status: criteria provided, single submitter. Criteria: GeneDx Variant Classification Process June 2021. Collection method: clinical testing. Allele origin: germline. Affected: yes.

Color Diagnostics, LLC DBA Color Health
Classification: Likely benign for Hereditary cancer-predisposing syndrome. Last evaluated: 2018-07-03. Review status: criteria provided, single submitter. Criteria: ACMG Guidelines, 2015. Collection method: clinical testing. Allele origin: germline.

Ambry Genetics
Classification: Likely benign for Hereditary cancer-predisposing syndrome; Familial thoracic aortic aneurysm and aortic dissection. Last evaluated: 2018-01-18. Review status: criteria provided, single submitter. Criteria: Ambry Variant Classification Scheme 2023. Collection method: clinical testing. Allele origin: germline.

NM_005359.6(SMAD4):c.375T>C (p.Ser125=)

Gene: SMAD4 (SMAD family member 4; plus strand). Cytogenetic location: 18q21.2.
Variant type: single nucleotide variant.
Coding change: c.375T>C on transcript NM_005359.6 (MANE Select); coding-DNA position 375, T replaced by C.
Protein change: p.Ser125=; no amino-acid change (serine 125 retained).
Molecular consequence: synonymous variant.
Genome position (GRCh38, 1-based): chr18:51,048,811, T>C. VCF-style: chr18-51048811-T-C. GRCh37 (hg19) VCF-style: chr18-48575181-T-C.
Identifiers: ClinVar variation 215843 (VCV000215843.23), dbSNP rs863224401, ClinGen allele CA339543.
Genomic context (GRCh38, chr18:51,048,811, plus strand): 5'-CAAAAATGAACTAAAACATGTTAAATATTGTCAGTATGCGTTTGACTTAAAATGTGATAG[T>C]GTCTGTGTGAATCCATATCACTACGAACGAGTTGTATCACCTGGAATTGGTAAGTAGACT-3'
Protein context (NP_005350.1, residues 115-135): CQYAFDLKCD[Ser125=]VCVNPYHYER